The following is an entry in ClinVar:

NM_001042492.3(NF1):c.7314C>A (p.Tyr2438Ter)

Gene: NF1 (neurofibromin 1; plus strand). Cytogenetic location: 17q11.2.
Variant type: single nucleotide variant.
Coding change: c.7314C>A on transcript NM_001042492.3 (MANE Select); coding-DNA position 7314, C replaced by A.
Protein change: p.Tyr2438Ter; replaces tyrosine 2438 with a stop codon.
Molecular consequence: nonsense.
Genome position (GRCh38, 1-based): chr17:31,349,244, C>A. VCF-style: chr17-31349244-C-A. GRCh37 (hg19) VCF-style: chr17-29676262-C-A.
Other names: c.7251C>A, p.Tyr2417Ter (NM_000267.4); short protein forms Y2417*, Y2438*.
Identifiers: ClinVar variation 4004208 (VCV004004208.1).

ClinVar aggregate classification (germline): Pathogenic (1 of 4 stars; one submission).

Conditions:
Cardiovascular phenotype. Identifiers: MedGen CN230736.
Hereditary cancer-predisposing syndrome. Also called: Tumor predisposition; Hereditary neoplastic syndrome; Neoplastic Syndromes, Hereditary; Hereditary Cancer Syndrome. Identifiers: Orphanet 140162, MedGen C0027672, MeSH D009386, MONDO:0015356.

Submission:

Ambry Genetics
Classification: Pathogenic for Cardiovascular phenotype; Hereditary cancer-predisposing syndrome. Last evaluated: 2025-04-25. Review status: criteria provided, single submitter. Criteria: Ambry Variant Classification Scheme 2023. Collection method: clinical testing. Allele origin: germline.
Comment: The p.Y2417* pathogenic mutation (also known as c.7251C>A), located in coding exon 48 of the NF1 gene, results from a C to A substitution at nucleotide position 7251. This changes the amino acid from a tyrosine to a stop codon within coding exon 48. This variant was reported in individual(s) with features consistent with neurofibromatosis type 1 (NF1) (van Minkelen R et al. Clin Genet, 2014 Apr;85:318-27; Ambry internal data). This variant is considered to be rare based on population cohorts in the Genome Aggregation Database (gnomAD). This alteration is expected to result in loss of function by premature protein truncation or nonsense-mediated mRNA decay. As such, this alteration is interpreted as a disease-causing mutation.

Literature cited by the submitters: PubMed 23656349.